The following is an entry in ClinVar:

ClinVar aggregate classification (germline): Likely pathogenic. Review status: criteria provided, multiple submitters, no conflicts (2 of 4 stars). 3 submissions from 3 submitters: Likely pathogenic (2). 1 of the submissions does not count toward it. Last evaluated 2025-02-27.

Conditions:
Glycogen storage disease, type II (IOPD). Also called: Pompe Disease; CARDIOMEGALIA GLYCOGENICA DIFFUSA; GLYCOGENOSIS, GENERALIZED, CARDIAC FORM; GSD II; POMPE DISEASE, INFANTILE-ONSET; GLYCOGEN STORAGE DISEASE II, INFANTILE-ONSET. Identifiers: Orphanet 365, MedGen C0017921, MONDO:0009290, OMIM 232300.

Submissions (3):

Labcorp Genetics (formerly Invitae), Labcorp
Classification: Likely pathogenic for Glycogen storage disease, type II. Last evaluated: 2025-02-27. Review status: criteria provided, single submitter. Criteria: Invitae Variant Classification Sherloc (09022015). Collection method: clinical testing. Allele origin: germline.
Comment: This sequence change replaces arginine, which is basic and polar, with glycine, which is neutral and non-polar, at codon 660 of the GAA protein (p.Arg660Gly). This variant is not present in population databases (gnomAD no frequency). This variant has not been reported in the literature in individuals affected with GAA-related conditions. ClinVar contains an entry for this variant (Variation ID: 2882160). Invitae Evidence Modeling of protein sequence and biophysical properties (such as structural, functional, and spatial information, amino acid conservation, physicochemical variation, residue mobility, and thermodynamic stability) indicates that this missense variant is expected to disrupt GAA protein function with a positive predictive value of 95%. This variant disrupts the p.Arg660 amino acid residue in GAA. Other variant(s) that disrupt this residue have been determined to be pathogenic (PMID: 14643388, 20472203, 21484825, 22521436, 22555271, 27649523). This suggests that this residue is clinically significant, and that variants that disrupt this residue are likely to be disease-causing. In summary, the currently available evidence indicates that the variant is pathogenic, but additional data are needed to prove that conclusively. Therefore, this variant has been classified as Likely Pathogenic.

Women's Health and Genetics/Laboratory Corporation of America, LabCorp
Classification: Likely pathogenic for Glycogen storage disease, type II. Last evaluated: 2024-04-03. Review status: criteria provided, single submitter. Criteria: LabCorp Variant Classification Summary - May 2015. Collection method: clinical testing. Allele origin: germline.
Comment: Variant summary: GAA c.1978C>G (p.Arg660Gly) results in a non-conservative amino acid change located in the glycoside hydrolase family 31, TIM barrel domain of the encoded protein sequence. Five of five in-silico tools predict a damaging effect of the variant on protein function. The variant was absent in 241412 control chromosomes (gnomAD). To our knowledge, no occurrence of c.1978C>G in individuals affected with Glycogen Storage Disease, Type 2 (Pompe Disease) and no experimental evidence demonstrating its impact on protein function have been reported. However, other variants affecting the same amino acid (p.Arg660His, p.Arg660Cys) have been classified as pathogenic by our laboratory and others in ClinVar, indicating this residue is important for protein function. ClinVar contains an entry for this variant (Variation ID: 2882160). Based on the evidence outlined above, the variant was classified as likely pathogenic.

Natera, Inc.
Classification: Uncertain significance for Glycogen storage disease type II. Last evaluated: 2025-05-29. Review status: no assertion criteria provided. Collection method: clinical testing. Allele origin: germline. Not counted in ClinVar's aggregate classification.

Literature cited by the submitters: PubMed 14643388 (cited by Labcorp Genetics (formerly Invitae), Labcorp); PubMed 20472203 (cited by Labcorp Genetics (formerly Invitae), Labcorp); PubMed 21484825 (cited by Labcorp Genetics (formerly Invitae), Labcorp); PubMed 22521436 (cited by Labcorp Genetics (formerly Invitae), Labcorp); PubMed 22555271 (cited by Labcorp Genetics (formerly Invitae), Labcorp); PubMed 27649523 (cited by Labcorp Genetics (formerly Invitae), Labcorp).

NM_000152.5(GAA):c.1978C>G (p.Arg660Gly)

Gene: GAA (alpha glucosidase; plus strand). Cytogenetic location: 17q25.3.
Variant type: single nucleotide variant.
Coding change: c.1978C>G on transcript NM_000152.5 (MANE Select); coding-DNA position 1978, C replaced by G.
Protein change: p.Arg660Gly; replaces arginine 660 with glycine.
Molecular consequence: missense variant.
Genome position (GRCh38, 1-based): chr17:80,112,965, C>G. VCF-style: chr17-80112965-C-G. GRCh37 (hg19) VCF-style: chr17-78086764-C-G.
Other names: c.1978C>G (NM_000152.4); c.1978C>G, p.Arg660Gly (NM_001079803.3, NM_001079804.3, NM_001406741.1 and 1 more transcripts); short protein forms R660G.
Identifiers: ClinVar variation 2882160 (VCV002882160.5), dbSNP rs759518659, ClinGen allele CA401369997.